The following is an entry in ClinVar:

NM_014319.5(LEMD3):c.816C>A (p.Ser272Arg)

Gene: LEMD3 (LEM domain containing 3; plus strand). Cytogenetic location: 12q14.3.
Variant type: single nucleotide variant.
Coding change: c.816C>A on transcript NM_014319.5 (MANE Select); coding-DNA position 816, C replaced by A.
Protein change: p.Ser272Arg; replaces serine 272 with arginine.
Molecular consequence: missense variant.
Genome position (GRCh38, 1-based): chr12:65,170,412, C>A. VCF-style: chr12-65170412-C-A. GRCh37 (hg19) VCF-style: chr12-65564192-C-A.
Other names: c.816C>A, p.Ser272Arg (NM_001167614.2); short protein forms S272R.
Identifiers: ClinVar variation 2762190 (VCV002762190.3), dbSNP rs2498939519, ClinGen allele CA385674117.

ClinVar aggregate classification (germline): Uncertain significance (1 of 4 stars; one submission).

Submission:

Labcorp Genetics (formerly Invitae), Labcorp
Classification: Uncertain significance. Last evaluated: 2023-12-11. Review status: criteria provided, single submitter. Criteria: Invitae Variant Classification Sherloc (09022015). Collection method: clinical testing. Allele origin: germline.
Comment: This sequence change replaces serine, which is neutral and polar, with arginine, which is basic and polar, at codon 272 of the LEMD3 protein (p.Ser272Arg). This variant is not present in population databases (gnomAD no frequency). This variant has not been reported in the literature in individuals affected with LEMD3-related conditions. Advanced modeling of protein sequence and biophysical properties (such as structural, functional, and spatial information, amino acid conservation, physicochemical variation, residue mobility, and thermodynamic stability) performed at Invitae indicates that this missense variant is not expected to disrupt LEMD3 protein function with a negative predictive value of 80%. In summary, the available evidence is currently insufficient to determine the role of this variant in disease. Therefore, it has been classified as a Variant of Uncertain Significance.